The following is an entry in ClinVar:

ClinVar aggregate classification (germline): Uncertain significance (1 of 4 stars; one submission).

Submission:

GeneDx
Classification: Uncertain significance. Last evaluated: 2023-05-01. Review status: criteria provided, single submitter. Criteria: GeneDx Variant Classification Process June 2021. Collection method: clinical testing. Allele origin: germline. Affected: yes.
Comment: Not observed at significant frequency in large population cohorts (gnomAD); In silico analysis supports that this missense variant has a deleterious effect on protein structure/function; Has not been previously published as pathogenic or benign to our knowledge

NM_002906.4(RDX):c.394G>A (p.Ala132Thr)

Gene: RDX (radixin; minus strand). Cytogenetic location: 11q22.3.
Variant type: single nucleotide variant.
Coding change: c.394G>A on transcript NM_002906.4 (MANE Select); coding-DNA position 394, G replaced by A.
Protein change: p.Ala132Thr; replaces alanine 132 with threonine.
Molecular consequence: missense variant. On other transcripts: intron variant (2).
Genome position (GRCh38, 1-based): chr11:110,264,033, C>T on the plus strand (G>A on the coding strand, the complement: RDX is on the minus strand). VCF-style: chr11-110264033-C-T. GRCh37 (hg19) VCF-style: chr11-110134758-C-T.
Other names: c.394G>A, p.Ala132Thr (NM_001260492.2, NM_001260493.2); c.298G>A, p.Ala100Thr (NM_001260496.2); c.-83+15648G>A (NM_001260495.2); c.60-5844G>A (NM_001260494.2); short protein forms A100T, A132T.
Identifiers: ClinVar variation 2663362 (VCV002663362.1), dbSNP rs2539440753, ClinGen allele CA382868528.
Genomic context (GRCh38, chr11:110,264,033, plus strand): 5'-GTCTATCATTAGCCAGGTAGCCTGGCTTATGAATCTCTTTATTGTAATCTCCATACTTGG[C>T]TTGGACAGCATAGGAAGCCAAAAGAACTGCAGTTTCTGGCGGGCAATATATCTCATCATT-3'
Protein context (NP_002897.1, residues 122-142): AVLLASYAVQ[Ala132Thr]KYGDYNKEIH